The following is an entry in ClinVar:

NM_002547.3(OPHN1):c.2016G>T (p.Lys672Asn)

Gene: OPHN1 (oligophrenin 1; minus strand). Cytogenetic location: Xq12.
Variant type: single nucleotide variant.
Coding change: c.2016G>T on transcript NM_002547.3 (MANE Select); coding-DNA position 2016, G replaced by T.
Protein change: p.Lys672Asn; replaces lysine 672 with asparagine.
Molecular consequence: missense variant.
Genome position (GRCh38, 1-based): chrX:68,063,996, C>A on the plus strand (G>T on the coding strand, the complement: OPHN1 is on the minus strand). VCF-style: chrX-68063996-C-A. GRCh37 (hg19) VCF-style: chrX-67283838-C-A.
Other names: short protein forms K672N.
Identifiers: ClinVar variation 1305308 (VCV001305308.3), dbSNP rs1242244215, ClinGen allele CA413430412.
Genomic context (GRCh38, chrX:68,063,996, plus strand): 5'-GGGTCCATTGGTGGCCTTTGGGGTGATCTTGGTCCCTCCATCCTGCAGCCTAGACACCAA[C>A]TTCCCCACGTCCACCTCTGGGCAGGGCTCCAACTTGCCATCCAAAATAGGCCTGCTTGGG-3'
Protein context (NP_002538.1, residues 662-682): LEPCPEVDVG[Lys672Asn]LVSRLQDGGT

ClinVar aggregate classification (germline): Uncertain significance (1 of 4 stars; one submission).

Allele frequency attached by ClinVar (database versions not stated): gnomAD exomes below 0.00001 and 0.00001; TOPMed 0.00004; gnomAD 0.00005.
gnomAD v4.1: 8 of 1,207,667 alleles (0.00066%); highest among the groups gnomAD compares: Admixed American, 0.015%; no homozygotes.

Submission:

GeneDx
Classification: Uncertain significance. Last evaluated: 2023-11-20. Review status: criteria provided, single submitter. Criteria: GeneDx Variant Classification Process June 2021. Collection method: clinical testing. Allele origin: germline. Affected: yes.
Comment: In silico analysis, which includes protein predictors and evolutionary conservation, supports that this variant does not alter protein structure/function; Has not been previously published as pathogenic or benign to our knowledge